The following is an entry in ClinVar:

ClinVar aggregate classification (germline): Conflicting classifications of pathogenicity. Review status: criteria provided, conflicting classifications (1 of 4 stars). 3 submissions from 3 submitters: Uncertain significance (1); Benign (1); Likely benign (1). Last evaluated 2025-07-14.

Conditions:
Neurodegeneration with brain iron accumulation 5 (NBIA5). Also called: STATIC ENCEPHALOPATHY OF CHILDHOOD WITH NEURODEGENERATION IN ADULTHOOD; Beta-propeller protein-associated neurodegeneration. Identifiers: Orphanet 329284, MedGen C3550973, MONDO:0010476, OMIM 300894.
Inborn genetic diseases. Identifiers: MedGen C0950123, MeSH D030342.

Allele frequency attached by ClinVar (database versions not stated): gnomAD exomes 0.00001 and 0.00003; ExAC 0.00002; gnomAD 0.00002; TOPMed 0.00002.
gnomAD v4.1: 13 of 1,210,573 alleles (0.0011%); highest among the groups gnomAD compares: East Asian, 0.0089%; no homozygotes.

Submissions (3):

Labcorp Genetics (formerly Invitae), Labcorp
Classification: Benign for Neurodegeneration with brain iron accumulation 5. Last evaluated: 2025-07-14. Review status: criteria provided, single submitter. Criteria: Invitae Variant Classification Sherloc (09022015). Collection method: clinical testing. Allele origin: germline.

Center for Genomics, Ann and Robert H. Lurie Children's Hospital of Chicago
Classification: Uncertain significance for Neurodegeneration with brain iron accumulation 5. Last evaluated: 2021-03-30. Review status: criteria provided, single submitter. Criteria: ACMG Guidelines, 2015. Collection method: clinical testing. Allele origin: germline.
Comment: WDR45 NM_007075.3 exon 11 p.Tyr291= (c.873C>T): This variant has not been reported in the literature but is present in 3/12865 East Asian alleles, including 2 hemizygotes in the Genome Aggregation Database. Evolutionary conservation and computational predictive tools for this variant are limited or unavailable. Of note, this variant is a silent variant and does not change the amino acid, reducing the probability that this variant is disease causing. In summary, data on this variant is insufficient for disease classification. Therefore, the clinical significance of this variant is uncertain.

Ambry Genetics
Classification: Likely benign for Inborn genetic diseases. Last evaluated: 2017-12-15. Review status: criteria provided, single submitter. Criteria: Ambry Variant Classification Scheme 2023. Collection method: clinical testing. Allele origin: germline.

NM_001029896.2(WDR45):c.870C>T (p.Tyr290=)

Gene: WDR45 (WD repeat domain 45; minus strand). Cytogenetic location: Xp11.23.
Variant type: single nucleotide variant.
Coding change: c.870C>T on transcript NM_001029896.2 (MANE Select); coding-DNA position 870, C replaced by T.
Protein change: p.Tyr290=; no amino-acid change (tyrosine 290 retained).
Molecular consequence: synonymous variant.
Genome position (GRCh38, 1-based): chrX:49,075,239, G>A on the plus strand (C>T on the coding strand, the complement: WDR45 is on the minus strand). VCF-style: chrX-49075239-G-A. GRCh37 (hg19) VCF-style: chrX-48932898-G-A.
Other names: c.873C>T, p.Tyr291= (NM_007075.4).
Identifiers: ClinVar variation 626051 (VCV000626051.12), dbSNP rs782557596, ClinGen allele CA10408455.